The following is an entry in ClinVar:

ClinVar aggregate classification (germline): Uncertain significance (1 of 4 stars; one submission).

Conditions:
Methylmalonic acidemia with homocystinuria, type cblJ (MAHCJ). Also called: METHYLMALONIC ACIDURIA AND HOMOCYSTINURIA, cblJ TYPE. Identifiers: Orphanet 369955, MedGen C3553915, MONDO:0013925, OMIM 614857.

gnomAD v4.1: 1 of 1,614,062 alleles (0.000062%); highest among the groups gnomAD compares: Non-Finnish European, 0.000085%; no homozygotes.

Submission:

Labcorp Genetics (formerly Invitae), Labcorp
Classification: Uncertain significance for Methylmalonic acidemia with homocystinuria, type cblJ. Last evaluated: 2018-08-17. Review status: criteria provided, single submitter. Criteria: Invitae Variant Classification Sherloc (09022015). Collection method: clinical testing. Allele origin: germline.
Comment: This sequence change replaces serine with arginine at codon 560 of the ABCD4 protein (p.Ser560Arg). The serine residue is moderately conserved and there is a moderate physicochemical difference between serine and arginine. This variant is not present in population databases (ExAC no frequency). This variant has not been reported in the literature in individuals with ABCD4-related disease. Algorithms developed to predict the effect of missense changes on protein structure and function (SIFT, PolyPhen-2, Align-GVGD) all suggest that this variant is likely to be tolerated, but these predictions have not been confirmed by published functional studies and their clinical significance is uncertain. In summary, the available evidence is currently insufficient to determine the role of this variant in disease. Therefore, it has been classified as a Variant of Uncertain Significance.

NM_005050.4(ABCD4):c.1680C>G (p.Ser560Arg)

Gene: ABCD4 (ATP binding cassette subfamily D member 4; minus strand). Cytogenetic location: 14q24.3.
Variant type: single nucleotide variant.
Coding change: c.1680C>G on transcript NM_005050.4 (MANE Select); coding-DNA position 1680, C replaced by G.
Protein change: p.Ser560Arg; replaces serine 560 with arginine.
Molecular consequence: missense variant. On other transcripts: 3 prime UTR variant (1), non-coding transcript variant (10).
Genome position (GRCh38, 1-based): chr14:74,286,773, G>C on the plus strand (C>G on the coding strand, the complement: ABCD4 is on the minus strand). VCF-style: chr14-74286773-G-C. GRCh37 (hg19) VCF-style: chr14-74753476-G-C.
Other names: c.1554C>G, p.Ser518Arg (NM_001353591.2, NM_001353592.2); c.1419C>G, p.Ser473Arg (NM_001353593.2); c.1368C>G, p.Ser456Arg (NM_001353594.2); c.1266C>G, p.Ser422Arg (NM_001353595.2, NM_001353596.2); c.1215C>G, p.Ser405Arg (NM_001353597.2); c.1203C>G, p.Ser401Arg (NM_001353598.2, NM_001353599.2, NM_001353600.2 and 2 more transcripts); c.891C>G, p.Ser297Arg (NM_001353602.2, NM_001353603.2, NM_001353604.2 and 5 more transcripts); c.*17C>G (NM_001353610.2); and 1 more; short protein forms S405R, S518R, S560R, S422R, S456R, S297R, S401R, S473R.
Identifiers: ClinVar variation 657074 (VCV000657074.8), dbSNP rs138753274, ClinGen allele CA390377096.